The following is an entry in ClinVar:

NM_002500.5(NEUROD1):c.232G>T (p.Asp78Tyr)

Gene: NEUROD1 (neuronal differentiation 1; minus strand). Cytogenetic location: 2q31.3.
Variant type: single nucleotide variant.
Coding change: c.232G>T on transcript NM_002500.5 (MANE Select); coding-DNA position 232, G replaced by T.
Protein change: p.Asp78Tyr; replaces aspartic acid 78 with tyrosine.
Molecular consequence: missense variant.
Genome position (GRCh38, 1-based): chr2:181,678,629, C>A on the plus strand (G>T on the coding strand, the complement: NEUROD1 is on the minus strand). VCF-style: chr2-181678629-C-A. GRCh37 (hg19) VCF-style: chr2-182543356-C-A.
Other names: short protein forms D78Y.
Identifiers: ClinVar variation 1376420 (VCV001376420.7), dbSNP rs748959606, ClinGen allele CA2011163.

ClinVar aggregate classification (germline): Uncertain significance. Review status: criteria provided, multiple submitters, no conflicts (2 of 4 stars). 2 submissions from 2 submitters: Uncertain significance (2). Last evaluated 2023-10-01.

Conditions:
Retinal dystrophy. Also called: Inherited retinal dystrophy. Identifiers: Orphanet 71862, MedGen C0854723, MeSH D058499, MONDO:0019118, HP:0000556.

gnomAD v4.1: 5 of 1,613,964 alleles (0.00031%); highest among the groups gnomAD compares: Non-Finnish European, 0.00034%; no homozygotes.

Submissions (2):

Dept Of Ophthalmology, Nagoya University
Classification: Uncertain significance for Retinal dystrophy. Last evaluated: 2023-10-01. Review status: criteria provided, single submitter. Criteria: Submitter's publication. Collection method: research. Allele origin: germline. Affected: yes.

Labcorp Genetics (formerly Invitae), Labcorp
Classification: Uncertain significance. Last evaluated: 2021-08-19. Review status: criteria provided, single submitter. Criteria: Invitae Variant Classification Sherloc (09022015). Collection method: clinical testing. Allele origin: germline.
Comment: This variant is present in population databases (rs748959606, ExAC 0.005%). This sequence change replaces aspartic acid with tyrosine at codon 78 of the NEUROD1 protein (p.Asp78Tyr). The aspartic acid residue is highly conserved and there is a large physicochemical difference between aspartic acid and tyrosine. This variant has not been reported in the literature in individuals affected with NEUROD1-related conditions. Algorithms developed to predict the effect of missense changes on protein structure and function (SIFT, PolyPhen-2, Align-GVGD) all suggest that this variant is likely to be disruptive. In summary, the available evidence is currently insufficient to determine the role of this variant in disease. Therefore, it has been classified as a Variant of Uncertain Significance.